The following is an entry in ClinVar:

ClinVar aggregate classification (germline): Uncertain significance (1 of 4 stars; one submission).

Submission:

GeneDx
Classification: Uncertain significance. Last evaluated: 2023-12-13. Review status: criteria provided, single submitter. Criteria: GeneDx Variant Classification Process June 2021. Collection method: clinical testing. Allele origin: germline. Affected: yes.
Comment: Not observed at significant frequency in large population cohorts (gnomAD); In-frame deletion of 1 amino acid in a non-repeat region; In silico analysis supports a deleterious effect on protein structure/function; Has not been previously published as pathogenic or benign to our knowledge

NM_000719.7(CACNA1C):c.1991TCT[1] (p.Phe665del)

Gene: CACNA1C (calcium voltage-gated channel subunit alpha1 C; plus strand). Cytogenetic location: 12p13.33.
Variant type: Microsatellite.
Coding change: c.1991TCT[1] on transcript NM_000719.7 (MANE Select); one copy of the 3-base unit TCT starting at c.1991; the reference has two copies in a row; one copy, 3 bases deleted; also written c.1994_1996del.
Protein change: p.Phe665del; deletes phenylalanine 665.
Molecular consequence: inframe indel (on NM_000719.6).
Genome position (GRCh38, 1-based): chr12:2,581,688-2,581,690, TCT deleted; deleting any 3 consecutive bases within chr12:2,581,685-2,581,690 gives the same sequence; the position shown is the placement nearest the transcript's 3' end. VCF-style (leftmost placement, unchanged base first): chr12-2581684-ATCT-A. GRCh37 (hg19) VCF-style: chr12-2690850-ATCT-A.
Other names: c.1991_1993TCT[1], p.Phe665del (NM_000719.6); c.1991TCT[1], p.Phe665del (NM_001129827.2, NM_001129829.2, NM_001129830.3 and 18 more transcripts); c.1982TCT[1], p.Phe662del (NM_001129844.2); c.1994_1996del (NM_000719.6); short protein forms F662del, F665del.
Identifiers: ClinVar variation 3365464 (VCV003365464.1).